The following is an entry in ClinVar:

NM_006929.5(SKIC2):c.975T>C (p.His325=)

Genes: SKIC2 (SKI2 subunit of superkiller complex; plus strand), LOC126859653 (CDK7 strongly-dependent group 2 enhancer GRCh37_chr6:31929542-31930741; plus strand). Cytogenetic location: 6p21.33.
Variant type: single nucleotide variant.
Coding change: c.975T>C on transcript NM_006929.5 (MANE Select); coding-DNA position 975, T replaced by C.
Protein change: p.His325=; no amino-acid change (histidine 325 retained).
Molecular consequence: synonymous variant.
Genome position (GRCh38, 1-based): chr6:31,961,965, T>C. VCF-style: chr6-31961965-T-C. GRCh37 (hg19) VCF-style: chr6-31929742-T-C.
Other names: c.975T>C (NM_006929.4).
Identifiers: ClinVar variation 1655592 (VCV001655592.10), dbSNP rs755236355, ClinGen allele CA3729310.

ClinVar aggregate classification (germline): Likely benign. Review status: criteria provided, single submitter (1 of 4 stars). 2 submissions from 2 submitters: Likely benign (1). 1 of the submissions does not count toward it. Last evaluated 2025-11-28.

Conditions:
SKIC2-related disorder. Also called: SKIC2-related condition.

Allele frequency attached by ClinVar (database versions not stated): gnomAD 0.00001; gnomAD exomes 0.00002 and 0.00003; ExAC 0.00003; TOPMed 0.00003.
gnomAD v4.1: 28 of 1,612,912 alleles (0.0017%); highest among the groups gnomAD compares: Middle Eastern, 0.066%; no homozygotes.

Submissions (2):

Labcorp Genetics (formerly Invitae), Labcorp
Classification: Likely benign. Last evaluated: 2025-11-28. Review status: criteria provided, single submitter. Criteria: Invitae Variant Classification Sherloc (09022015). Collection method: clinical testing. Allele origin: germline.

PreventionGenetics, part of Exact Sciences
Classification: Likely benign for SKIC2-related condition. Last evaluated: 2019-05-13. Review status: no assertion criteria provided. Collection method: clinical testing. Allele origin: germline. Not counted in ClinVar's aggregate classification.
Comment: This variant is classified as likely benign based on ACMG/AMP sequence variant interpretation guidelines (Richards et al. 2015 PMID: 25741868, with internal and published modifications).